The following is an entry in ClinVar:

NM_005245.4(FAT1):c.13722G>A (p.Glu4574=)

Genes: FAT1 (FAT atypical cadherin 1; minus strand), LOC126807253 (BRD4-independent group 4 enhancer GRCh37_chr4:187509297-187510496; plus strand). Cytogenetic location: 4q35.2.
Variant type: single nucleotide variant.
Coding change: c.13722G>A on transcript NM_005245.4 (MANE Select); coding-DNA position 13722, G replaced by A.
Protein change: p.Glu4574=; no amino-acid change (glutamic acid 4574 retained).
Molecular consequence: synonymous variant.
Genome position (GRCh38, 1-based): chr4:186,588,637, C>T on the plus strand (G>A on the coding strand, the complement: FAT1 is on the minus strand). VCF-style: chr4-186588637-C-T. GRCh37 (hg19) VCF-style: chr4-187509791-C-T.
Other names: c.13722G>A (NM_005245.3).
Identifiers: ClinVar variation 2965077 (VCV002965077.6), dbSNP rs376002194, ClinGen allele CA3164457.

ClinVar aggregate classification (germline): Likely benign. Review status: criteria provided, multiple submitters, no conflicts (2 of 4 stars). 3 submissions from 3 submitters: Likely benign (2). 1 of the submissions does not count toward it. Last evaluated 2023-08-17.

Conditions:
FAT1-related disorder. Also called: FAT1-related condition.

Allele frequency attached by ClinVar (database versions not stated): gnomAD 0.00001; ExAC 0.00002; TOPMed 0.00002; gnomAD exomes 0.00004; ESP Exome Variant Server 0.00008.
gnomAD v4.1: 61 of 1,613,684 alleles (0.0038%); highest among the groups gnomAD compares: Non-Finnish European, 0.0051%; no homozygotes.

Submissions (3):

Labcorp Genetics (formerly Invitae), Labcorp
Classification: Likely benign. Last evaluated: 2023-08-17. Review status: criteria provided, single submitter. Criteria: Invitae Variant Classification Sherloc (09022015). Collection method: clinical testing. Allele origin: germline.

Blueprint Genetics
Classification: Likely benign. Last evaluated: 2020-08-05. Review status: criteria provided, single submitter. Criteria: ACMG Guidelines, 2015. Collection method: clinical testing. Allele origin: germline.

PreventionGenetics, part of Exact Sciences
Classification: Likely benign for FAT1-related condition. Last evaluated: 2019-03-29. Review status: no assertion criteria provided. Collection method: clinical testing. Allele origin: germline. Not counted in ClinVar's aggregate classification.
Comment: This variant is classified as likely benign based on ACMG/AMP sequence variant interpretation guidelines (Richards et al. 2015 PMID: 25741868, with internal and published modifications).